The following is an entry in ClinVar:

NM_001042492.3(NF1):c.4370A>T (p.Lys1457Ile)

Gene: NF1 (neurofibromin 1; plus strand). Cytogenetic location: 17q11.2.
Variant type: single nucleotide variant.
Coding change: c.4370A>T on transcript NM_001042492.3 (MANE Select); coding-DNA position 4370, A replaced by T.
Protein change: p.Lys1457Ile; replaces lysine 1457 with isoleucine.
Molecular consequence: missense variant.
Genome position (GRCh38, 1-based): chr17:31,259,069, A>T. VCF-style: chr17-31259069-A-T. GRCh37 (hg19) VCF-style: chr17-29586087-A-T.
Other names: c.4307A>T, p.Lys1436Ile (NM_000267.4); short protein forms K1457I, K1436I.
Identifiers: ClinVar variation 2695760 (VCV002695760.3), dbSNP rs1555618656, ClinGen allele CA398998806.

ClinVar aggregate classification (germline): Uncertain significance (1 of 4 stars; one submission).

Conditions:
Neurofibromatosis, type 1 (NF1). Also called: Peripheral type neurofibromatosis; VON RECKLINGHAUSEN DISEASE; Neurofibromatosis, type I; NEUROFIBROMATOSIS, TYPE I, SOMATIC. Identifiers: Orphanet 636, MedGen C0027831, MONDO:0018975, OMIM 162200. Disease mechanism: loss of function.

Submission:

Labcorp Genetics (formerly Invitae), Labcorp
Classification: Uncertain significance for Neurofibromatosis, type 1. Last evaluated: 2023-11-14. Review status: criteria provided, single submitter. Criteria: Invitae Variant Classification Sherloc (09022015). Collection method: clinical testing. Allele origin: germline.
Comment: This sequence change replaces lysine, which is basic and polar, with isoleucine, which is neutral and non-polar, at codon 1436 of the NF1 protein (p.Lys1436Ile). This variant is not present in population databases (gnomAD no frequency). This variant has not been reported in the literature in individuals affected with NF1-related conditions. Advanced modeling of protein sequence and biophysical properties (such as structural, functional, and spatial information, amino acid conservation, physicochemical variation, residue mobility, and thermodynamic stability) performed at Invitae indicates that this missense variant is expected to disrupt NF1 protein function with a positive predictive value of 95%. This variant disrupts the p.Lys1436 amino acid residue in NF1. Other variant(s) that disrupt this residue have been determined to be pathogenic (PMID: 21354044, 23913538, 24789688). This suggests that this residue is clinically significant, and that variants that disrupt this residue are likely to be disease-causing. In summary, the available evidence is currently insufficient to determine the role of this variant in disease. Therefore, it has been classified as a Variant of Uncertain Significance.

Literature cited by the submitters: PubMed 21354044; PubMed 23913538; PubMed 24789688.